The following is an entry in ClinVar:

ClinVar aggregate classification (germline): Pathogenic (1 of 4 stars; one submission).

Submission:

Labcorp Genetics (formerly Invitae), Labcorp
Classification: Pathogenic. Last evaluated: 2025-07-04. Review status: criteria provided, single submitter. Criteria: Invitae Variant Classification Sherloc (09022015). Collection method: clinical testing. Allele origin: germline.
Comment: This sequence change creates a premature translational stop signal (p.Gln508*) in the POLE gene. It is expected to result in an absent or disrupted protein product. Loss-of-function variants in POLE are known to be pathogenic (PMID: 23230001, 25948378, 30503519). This variant is not present in population databases (gnomAD no frequency). This variant has not been reported in the literature in individuals affected with POLE-related conditions. ClinVar contains an entry for this variant (Variation ID: 3659595). For these reasons, this variant has been classified as Pathogenic.

Literature cited by the submitters: PubMed 23230001; PubMed 25948378; PubMed 30503519.

NM_006231.4(POLE):c.1522C>T (p.Gln508Ter)

Gene: POLE (DNA polymerase epsilon, catalytic subunit; minus strand). Cytogenetic location: 12q24.33.
Variant type: single nucleotide variant.
Coding change: c.1522C>T on transcript NM_006231.4 (MANE Select); coding-DNA position 1522, C replaced by T.
Protein change: p.Gln508Ter; replaces glutamine 508 with a stop codon.
Molecular consequence: nonsense.
Genome position (GRCh38, 1-based): chr12:132,672,791, G>A on the plus strand (C>T on the coding strand, the complement: POLE is on the minus strand). VCF-style: chr12-132672791-G-A. GRCh37 (hg19) VCF-style: chr12-133249377-G-A.
Other names: short protein forms Q508*.
Identifiers: ClinVar variation 3659595 (VCV003659595.2).